The following is an entry in ClinVar:

ClinVar aggregate classification (germline): Likely pathogenic (1 of 4 stars; one submission).

Conditions:
Galloway-Mowat syndrome 6. Identifiers: MedGen C5193043, MONDO:0032691, OMIM 618347.

Submission:

Victorian Clinical Genetics Services, Murdoch Childrens Research Institute
Classification: Likely pathogenic for Galloway-Mowat syndrome 6. Last evaluated: 2024-10-09. Review status: criteria provided, single submitter. Criteria: ACMG Guidelines, 2015. Collection method: clinical testing. Allele origin: germline. Inheritance: Autosomal recessive inheritance. Affected: yes.
Comment: Based on the classification scheme VCGS_Germline_v1.3.4, this variant is classified as Likely pathogenic. Following criteria are met: 0102 - Loss of function is a mechanism of disease in this gene and is associated with Galloway-Mowat syndrome 6 (MIM#618347) and microcephaly, growth deficiency, seizures, and brain malformations (MIM#618346). In addition, it has been suggested that loss of function variants may be associated with hematopoietic-related abnormalities in individuals with JAK2V617F-positive essential thrombocythemia (PMID: 31289202). (I) 0106 - This gene is associated with autosomal recessive disease. (I) 0115 - Variants in this gene are known to have variable expressivity and associated with Galloway-Mowat syndrome 6 (MIM#618347) (OMIM). (I) 0217 - Non-coding variant with known effect. RNA-Seq data generated from RNA extracted from patient cells demonstrated that this variant introduces a pseudo-exon within intron 7 which is out of frame and contains a STOP codon. Therefore, it is predicted to undergo nonsense-mediated decay (RDNow program personal communication). (SP) 0251 - This variant is heterozygous. (I) 0301 - Variant is absent from gnomAD (both v2 and v3). (SP) 0703 - Other null variants comparable to the one identified in this case have moderate previous evidence for pathogenicity. There are four NMD-predicted variants that have been classified as pathogenic (ClinVar). (SP) 0807 - This variant has no previous evidence of pathogenicity. (I) 0905 - No published segregation evidence has been identified for this variant. (I) Legend: (SP) - Supporting pathogenic, (I) - Information, (SB) - Supporting benign

Literature cited by the submitters: PubMed 31289202.

NM_018669.6(WDR4):c.727-331G>T

Gene: WDR4 (WD repeat domain 4; minus strand). Cytogenetic location: 21q22.3.
Variant type: single nucleotide variant.
Coding change: c.727-331G>T on transcript NM_018669.6 (MANE Select); 331 bases into the intron before coding-DNA position 727, G replaced by T.
Molecular consequence: intron variant.
Genome position (GRCh38, 1-based): chr21:42,854,957, C>A on the plus strand (G>T on the coding strand, the complement: WDR4 is on the minus strand). VCF-style: chr21-42854957-C-A. GRCh37 (hg19) VCF-style: chr21-44275067-C-A.
Other names: c.727-331G>T (NM_033661.5); c.289-331G>T (NM_001260476.2, NM_001260475.2, NM_001260477.2); c.727-334G>T (NM_001260474.2).
Identifiers: ClinVar variation 3377309 (VCV003377309.1).